The following is an entry in ClinVar:

ClinVar aggregate classification (germline): Pathogenic (1 of 4 stars; one submission).

Conditions:
Roifman syndrome (RFMN). Also called: SPONDYLOEPIPHYSEAL DYSPLASIA, RETINAL DYSTROPHY, AND ANTIBODY DEFICIENCY. Identifiers: Orphanet 353298, MedGen C1846059, MONDO:0014722, OMIM 616651.

Submission:

Department of Molecular Genetics, Istishari Arab Hospital
Classification: Pathogenic for Roifman syndrome. Last evaluated: 2026-03-10. Review status: criteria provided, single submitter. Criteria: ACMG Guidelines, 2015. Collection method: clinical testing. Allele origin: germline. Inheritance: Autosomal recessive inheritance. Affected: yes.
Comment: The RNU4ATAC variant n.16G>A is a non-coding transcript variant. The variant is observed at an extremely low frequency in the gnomAD v4.1.0 dataset (total allele frequency: <0.001%), has been reported in the literature in multiple individuals with RNU4ATAC spectrum disorder (PMID: 26522830, 29263834, 28669401, 29391254, 32595695). It is classified as pathogenic according to the recommendations of ACMG/AMP/ClinGen SVI guidelines.

Literature cited by the submitters: PubMed 26522830; PubMed 29263834; PubMed 28669401; PubMed 29391254; PubMed 32595695.

NR_023343.3:n.16G>A

Gene: RNU4ATAC (RNA, U4atac small nuclear; plus strand).
Variant type: single nucleotide variant.
Identifiers: ClinVar variation 4813621 (VCV004813621.1).